The following is an entry in ClinVar:

NM_000942.5(PPIB):c.313G>A (p.Gly105Arg)

Gene: PPIB (peptidylprolyl isomerase B; minus strand). Cytogenetic location: 15q22.31.
Variant type: single nucleotide variant.
Coding change: c.313G>A on transcript NM_000942.5 (MANE Select); coding-DNA position 313, G replaced by A.
Protein change: p.Gly105Arg; replaces glycine 105 with arginine.
Molecular consequence: missense variant.
Genome position (GRCh38, 1-based): chr15:64,160,134, C>T on the plus strand (G>A on the coding strand, the complement: PPIB is on the minus strand). VCF-style: chr15-64160134-C-T. GRCh37 (hg19) VCF-style: chr15-64452333-C-T.
Other names: short protein forms G105R.
Identifiers: ClinVar variation 31844 (VCV000031844.10), dbSNP rs137853866, ClinGen allele CA210932.

ClinVar aggregate classification (germline): Pathogenic/Likely pathogenic. Review status: criteria provided, multiple submitters, no conflicts (2 of 4 stars). 4 submissions from 4 submitters: Pathogenic (1); Likely pathogenic (1). 2 of the submissions do not count toward it. Last evaluated 2025-02-19.

Conditions:
Osteogenesis imperfecta type 9 (OI9). Also called: Oi type IX; OI 9; Osteogenesis imperfecta sillence type II/III without abnormality of type I collagen. Identifiers: MedGen C1850169, MONDO:0009805, OMIM 259440.
Osteogenesis imperfecta (OI). Identifiers: Orphanet 666, MedGen C0029434, MeSH D010013, MONDO:0019019.

Allele frequency attached by ClinVar (database versions not stated): ExAC 0.00002; gnomAD exomes 0.00002.
gnomAD v4.1: 15 of 1,614,070 alleles (0.00093%); highest among the groups gnomAD compares: East Asian, 0.0022%; no homozygotes.

Submissions (4):

Women's Health and Genetics/Laboratory Corporation of America, LabCorp
Classification: Likely pathogenic for Osteogenesis imperfecta. Last evaluated: 2025-02-19. Review status: criteria provided, single submitter. Criteria: LabCorp Variant Classification Summary - May 2015. Collection method: clinical testing. Allele origin: germline.
Comment: Variant summary: PPIB c.313G>A (p.Gly105Arg) results in a non-conservative amino acid change located in the cyclophilin-type peptidyl-prolyl cis-trans isomerase domain (IPR002130) of the encoded protein sequence. Five of five in-silico tools predict a damaging effect of the variant on protein function. The variant allele was found at a frequency of 2e-05 in 251494 control chromosomes. c.313G>A has been reported in the literature in the compound heterozygous state in individuals affected with Osteogenesis Imperfecta, including two siblings where it was confirmed to be in trans with a pathogenic variant (e.g. Pyott_2011a, Pyott_2011b, Bardai_2016). These data indicate that the variant is likely associated with disease. At least one publication reports experimental evidence evaluating an impact on protein function. The variant was found to produce an unstable protein, resulting in decreased protein levels with a small amount of remaining protein mislocalized to the golgi (Pyott_2011b). The following publications have been ascertained in the context of this evaluation (PMID: 27509835, 21239989, 21282188). ClinVar contains an entry for this variant (Variation ID: 31844). Based on the evidence outlined above, the variant was classified as likely pathogenic.

Labcorp Genetics (formerly Invitae), Labcorp
Classification: Pathogenic. Last evaluated: 2022-06-02. Review status: criteria provided, single submitter. Criteria: Invitae Variant Classification Sherloc (09022015). Collection method: clinical testing. Allele origin: germline.
Comment: This sequence change replaces glycine, which is neutral and non-polar, with arginine, which is basic and polar, at codon 105 of the PPIB protein (p.Gly105Arg). This variant is present in population databases (rs137853866, gnomAD 0.006%). This missense change has been observed in individual(s) with osteogenesis imperfecta (PMID: 21282188, 27509835). In at least one individual the data is consistent with being in trans (on the opposite chromosome) from a pathogenic variant. It has also been observed to segregate with disease in related individuals. ClinVar contains an entry for this variant (Variation ID: 31844). Algorithms developed to predict the effect of missense changes on protein structure and function (SIFT, PolyPhen-2, Align-GVGD) all suggest that this variant is likely to be disruptive. For these reasons, this variant has been classified as Pathogenic.

OMIM
Classification: Pathogenic for OSTEOGENESIS IMPERFECTA, TYPE IX. Last evaluated: 2015-12-07. Review status: no assertion criteria provided. Collection method: literature only. Allele origin: germline. Not counted in ClinVar's aggregate classification.

Osteogenesis Imperfecta Variant Database (PPIB)
No classification provided. Last evaluated: 2011-02-17. Review status: no classification provided. Collection method: curation. Allele origin: unknown. Not counted in ClinVar's aggregate classification.

Literature cited by the submitters: PubMed 27509835 (cited by Women's Health and Genetics/Laboratory Corporation of America, LabCorp and Labcorp Genetics (formerly Invitae), Labcorp); PubMed 21239989 (cited by Women's Health and Genetics/Laboratory Corporation of America, LabCorp); PubMed 21282188 (cited by Women's Health and Genetics/Laboratory Corporation of America, LabCorp and Labcorp Genetics (formerly Invitae), Labcorp).